The following is an entry in ClinVar:

NM_001382391.1(CSPP1):c.275G>A (p.Arg92Gln)

Gene: CSPP1 (centrosome and spindle pole associated protein 1; plus strand). Cytogenetic location: 8q13.1.
Variant type: single nucleotide variant.
Coding change: c.275G>A on transcript NM_001382391.1 (MANE Select); coding-DNA position 275, G replaced by A.
Protein change: p.Arg92Gln; replaces arginine 92 with glutamine.
Molecular consequence: missense variant. On other transcripts: 5 prime UTR variant (1).
Genome position (GRCh38, 1-based): chr8:67,086,082, G>A. VCF-style: chr8-67086082-G-A. GRCh37 (hg19) VCF-style: chr8-67998317-G-A.
Other names: c.-500G>A (NM_001291339.2); c.275G>A, p.Arg92Gln (NM_001363131.2, NM_001363132.2, NM_001363133.2); c.383G>A, p.Arg128Gln (NM_001364869.1, NM_001364870.1, NM_024790.7); short protein forms R128Q, R92Q.
Identifiers: ClinVar variation 1520054 (VCV001520054.8), dbSNP rs764280843, ClinGen allele CA4770187.

ClinVar aggregate classification (germline): Uncertain significance (1 of 4 stars; one submission).

Conditions:
Joubert syndrome 21 (JBTS21). Identifiers: MedGen C3810212, MONDO:0014288, OMIM 615636.

Allele frequency attached by ClinVar (database versions not stated): ExAC 0.00002.
gnomAD v4.1: 26 of 1,494,268 alleles (0.0017%); highest among the groups gnomAD compares: South Asian, 0.0023%; no homozygotes.

Submission:

Labcorp Genetics (formerly Invitae), Labcorp
Classification: Uncertain significance for Joubert syndrome 21. Last evaluated: 2023-04-05. Review status: criteria provided, single submitter. Criteria: Invitae Variant Classification Sherloc (09022015). Collection method: clinical testing. Allele origin: germline.
Comment: In summary, the available evidence is currently insufficient to determine the role of this variant in disease. Therefore, it has been classified as a Variant of Uncertain Significance. This sequence change replaces arginine, which is basic and polar, with glutamine, which is neutral and polar, at codon 128 of the CSPP1 protein (p.Arg128Gln). This variant is present in population databases (rs764280843, gnomAD 0.003%). This variant has not been reported in the literature in individuals affected with CSPP1-related conditions. ClinVar contains an entry for this variant (Variation ID: 1520054). An algorithm developed to predict the effect of missense changes on protein structure and function (PolyPhen-2) suggests that this variant is likely to be tolerated.